The following is an entry in ClinVar:

ClinVar aggregate classification (germline): Benign/Likely benign. Review status: criteria provided, multiple submitters, no conflicts (2 of 4 stars). 9 submissions from 9 submitters: Benign (3); Likely benign (6). Last evaluated 2026-06-01.

Conditions:
Hereditary cancer-predisposing syndrome. Also called: Tumor predisposition; Hereditary Cancer Syndrome; Hereditary neoplastic syndrome; Neoplastic Syndromes, Hereditary. Identifiers: Orphanet 140162, MedGen C0027672, MeSH D009386, MONDO:0015356.
Tuberous sclerosis syndrome (TSC). Also called: Tuberous Sclerosis Complex; Tuberous sclerosis. Identifiers: Orphanet 805, MedGen C0041341, MONDO:0001734.
Tuberous sclerosis 2 (TSC2). Identifiers: Orphanet 805, MedGen C1860707, MONDO:0013199, OMIM 613254.

Allele frequency attached by ClinVar (database versions not stated): ExAC 0.00002; gnomAD exomes 0.00002; gnomAD 0.00006 and 0.00007; TOPMed 0.00008.
gnomAD v4.1: 33 of 1,613,142 alleles (0.002%); highest among the groups gnomAD compares: Middle Eastern, 0.016%; no homozygotes.

Submissions (9):

CeGaT Center for Human Genetics Tuebingen
Classification: Likely benign. Last evaluated: 2026-06-01. Review status: criteria provided, single submitter. Criteria: CeGaT Center For Human Genetics Tuebingen Variant Classification Criteria Version 2. Collection method: clinical testing. Allele origin: germline. Affected: yes. Observed: 2 variant alleles.
Comment: TSC2: BP4, BP7

Labcorp Genetics (formerly Invitae), Labcorp
Classification: Benign for Tuberous sclerosis 2. Last evaluated: 2026-01-14. Review status: criteria provided, single submitter. Criteria: Invitae Variant Classification Sherloc (09022015). Collection method: clinical testing. Allele origin: germline.

Myriad Genetics, Inc.
Classification: Benign for Tuberous sclerosis 2. Last evaluated: 2025-06-04. Review status: criteria provided, single submitter. Criteria: Myriad Autosomal Dominant, Autosomal Recessive and X-Linked Classification Criteria (2023). Collection method: clinical testing. Allele origin: unknown.
Comment: This variant is considered benign. This variant is a silent/synonymous amino acid change and it is not expected to impact splicing.

Blueprint Genetics
Classification: Likely benign. Last evaluated: 2024-08-22. Review status: criteria provided, single submitter. Criteria: ACMG Guidelines, 2015. Collection method: clinical testing. Allele origin: germline.

All of Us Research Program, National Institutes of Health
Classification: Likely benign for Tuberous sclerosis syndrome. Last evaluated: 2024-01-12. Review status: criteria provided, single submitter. Criteria: ACMG Guidelines, 2015. Collection method: clinical testing. Allele origin: germline. Inheritance: Autosomal dominant inheritance. Observed: 4 variant alleles, 4 heterozygotes.
Comment: This study involves interpretation of variants in research participants for the purpose of population health screening. Participant phenotype was not available at the time of variant classification. Additional details can be found in publication PMID: 35346344, PMCID: PMC8962531

Color Diagnostics, LLC DBA Color Health
Classification: Likely benign for Tuberous sclerosis syndrome. Last evaluated: 2022-10-09. Review status: criteria provided, single submitter. Criteria: ACMG Guidelines, 2015. Collection method: clinical testing. Allele origin: germline.

Genome-Nilou Lab
Classification: Benign for Tuberous sclerosis 2. Last evaluated: 2021-11-07. Review status: criteria provided, single submitter. Criteria: ACMG Guidelines, 2015. Collection method: clinical testing. Allele origin: germline. Affected: no.

Ambry Genetics
Classification: Likely benign for Hereditary cancer-predisposing syndrome. Last evaluated: 2019-12-23. Review status: criteria provided, single submitter. Criteria: Ambry Variant Classification Scheme 2023. Collection method: clinical testing. Allele origin: germline.

GeneDx
Classification: Likely benign. Last evaluated: 2018-05-31. Review status: criteria provided, single submitter. Criteria: GeneDx Variant Classification Process June 2021. Collection method: clinical testing. Allele origin: germline. Affected: yes.
Comment: This variant is associated with the following publications: (PMID: 24755471)

NM_000548.5(TSC2):c.4533C>T (p.Gly1511=)

Gene: TSC2 (TSC complex subunit 2; plus strand). Cytogenetic location: 16p13.3.
Variant type: single nucleotide variant.
Coding change: c.4533C>T on transcript NM_000548.5 (MANE Select); coding-DNA position 4533, C replaced by T.
Protein change: p.Gly1511=; no amino-acid change (glycine 1511 retained).
Molecular consequence: synonymous variant.
Genome position (GRCh38, 1-based): chr16:2,084,990, C>T. VCF-style: chr16-2084990-C-T. GRCh37 (hg19) VCF-style: chr16-2134991-C-T.
Other names: c.4332C>T, p.Gly1444= (NM_001077183.3); c.4464C>T, p.Gly1488= (NM_001114382.3); c.4224C>T, p.Gly1408= (NM_001318827.2); c.4188C>T, p.Gly1396= (NM_001318829.2); c.3801C>T, p.Gly1267= (NM_001318831.2); c.4365C>T, p.Gly1455= (NM_001318832.2); c.4335C>T, p.Gly1445= (NM_001363528.2); c.4401C>T, p.Gly1467= (NM_001370404.1); and 1 more.
Identifiers: ClinVar variation 378790 (VCV000378790.79), dbSNP rs201126835, ClinGen allele CA051530.